The following is an entry in ClinVar:

NM_018076.5(ODAD2):c.2800-2A>G

Gene: ODAD2 (outer dynein arm docking complex subunit 2; minus strand). Cytogenetic location: 10p12.1.
Variant type: single nucleotide variant.
Coding change: c.2800-2A>G on transcript NM_018076.5 (MANE Select); the canonical splice acceptor site of the intron before coding-DNA position 2800, A replaced by G.
Molecular consequence: splice acceptor variant.
Genome position (GRCh38, 1-based): chr10:27,860,848, T>C on the plus strand (A>G on the coding strand, the complement: ODAD2 is on the minus strand). VCF-style: chr10-27860848-T-C. GRCh37 (hg19) VCF-style: chr10-28149777-T-C.
Other names: c.2800-2A>G (NM_001290020.2); c.1876-2A>G (NM_001312689.2); c.1375-2A>G (NM_001290021.2).
Identifiers: ClinVar variation 577105 (VCV000577105.10), dbSNP rs1297261096, ClinGen allele CA376492387.

ClinVar aggregate classification (germline): Pathogenic/Likely pathogenic. Review status: criteria provided, multiple submitters, no conflicts (2 of 4 stars). 2 submissions from 2 submitters: Pathogenic (1); Likely pathogenic (1). Last evaluated 2024-04-16.

Conditions:
Primary ciliary dyskinesia 23 (CILD23). Also called: CILIARY DYSKINESIA, PRIMARY, 23, WITH OR WITHOUT SITUS INVERSUS. Identifiers: Orphanet 244, MedGen C3809548, MONDO:0014193, OMIM 615451.

Allele frequency attached by ClinVar (database versions not stated): gnomAD exomes below 0.00001.
gnomAD v4.1: 4 of 1,613,160 alleles (0.00025%); highest among the groups gnomAD compares: Non-Finnish European, 0.00034%; no homozygotes.

Submissions (2):

Labcorp Genetics (formerly Invitae), Labcorp
Classification: Pathogenic for Primary ciliary dyskinesia 23. Last evaluated: 2024-04-16. Review status: criteria provided, single submitter. Criteria: Invitae Variant Classification Sherloc (09022015). Collection method: clinical testing. Allele origin: germline.
Comment: This sequence change affects an acceptor splice site in intron 18 of the ARMC4 gene. It is expected to disrupt RNA splicing. Variants that disrupt the donor or acceptor splice site typically lead to a loss of protein function (PMID: 16199547), and loss-of-function variants in ARMC4 are known to be pathogenic (PMID: 23849778). This variant is present in population databases (no rsID available, gnomAD 0.0009%). Disruption of this splice site has been observed in individual(s) with ARMC4-related conditions (Invitae). In at least one individual the data is consistent with being in trans (on the opposite chromosome) from a pathogenic variant. ClinVar contains an entry for this variant (Variation ID: 577105). Algorithms developed to predict the effect of sequence changes on RNA splicing suggest that this variant may disrupt the consensus splice site. For these reasons, this variant has been classified as Pathogenic.

Revvity Omics, Revvity
Classification: Likely pathogenic for Primary ciliary dyskinesia 23. Last evaluated: 2020-04-23. Review status: criteria provided, single submitter. Criteria: ACMG Guidelines, 2015. Collection method: clinical testing. Allele origin: germline.

Literature cited by the submitters: PubMed 16199547 (cited by Labcorp Genetics (formerly Invitae), Labcorp); PubMed 23849778 (cited by Labcorp Genetics (formerly Invitae), Labcorp).